The following is an entry in ClinVar:

NM_002547.3(OPHN1):c.2029C>A (p.Leu677Met)

Gene: OPHN1 (oligophrenin 1; minus strand). Cytogenetic location: Xq12.
Variant type: single nucleotide variant.
Coding change: c.2029C>A on transcript NM_002547.3 (MANE Select); coding-DNA position 2029, C replaced by A.
Protein change: p.Leu677Met; replaces leucine 677 with methionine.
Molecular consequence: missense variant.
Genome position (GRCh38, 1-based): chrX:68,063,983, G>T on the plus strand (C>A on the coding strand, the complement: OPHN1 is on the minus strand). VCF-style: chrX-68063983-G-T. GRCh37 (hg19) VCF-style: chrX-67283825-G-T.
Other names: short protein forms L677M.
Identifiers: ClinVar variation 94074 (VCV000094074.33), dbSNP rs143713841, ClinGen allele CA172909.

ClinVar aggregate classification (germline): Conflicting classifications of pathogenicity. Review status: criteria provided, conflicting classifications (1 of 4 stars). 12 submissions from 12 submitters: Uncertain significance (1); Benign (4); Likely benign (3). 4 of the submissions do not count toward it. Last evaluated 2026-02-03.

Conditions:
Inborn genetic diseases. Identifiers: MedGen C0950123, MeSH D030342.
OPHN1-related disorder.

Allele frequency attached by ClinVar (database versions not stated): 1000 Genomes Project 0.00053; gnomAD 0.00119 and 0.00118; ExAC 0.00125; gnomAD exomes 0.00165 and 0.00125; ESP Exome Variant Server 0.00170; TOPMed 0.00108; 1000 Genomes Project 30x 0.00062.
gnomAD v4.1: 1,927 of 1,207,637 alleles (0.16%); highest among the groups gnomAD compares: Non-Finnish European, 0.19%; 3 homozygotes.

Submissions (12):

Labcorp Genetics (formerly Invitae), Labcorp
Classification: Benign. Last evaluated: 2026-02-03. Review status: criteria provided, single submitter. Criteria: Invitae Variant Classification Sherloc (09022015). Collection method: clinical testing. Allele origin: germline.

Blueprint Genetics
Classification: Likely benign. Last evaluated: 2024-11-13. Review status: criteria provided, single submitter. Criteria: ACMG Guidelines, 2015. Collection method: clinical testing. Allele origin: germline.

Laboratorio de Genetica e Diagnostico Molecular, Hospital Israelita Albert Einstein
Classification: Likely benign. Last evaluated: 2020-03-11. Review status: criteria provided, single submitter. Criteria: ACMG Guidelines, 2015. Collection method: clinical testing. Allele origin: germline. Affected: yes.
Comment: ACMG classification criteria: BS1, BP4

Genetic Services Laboratory, University of Chicago
Classification: Benign. Last evaluated: 2019-06-12. Review status: criteria provided, single submitter. Criteria: ACMG Guidelines, 2015. Collection method: clinical testing. Allele origin: germline. Affected: no.

Ambry Genetics
Classification: Benign for Inborn genetic diseases. Last evaluated: 2017-08-18. Review status: criteria provided, single submitter. Criteria: Ambry Variant Classification Scheme 2023. Collection method: clinical testing. Allele origin: germline.

Center for Pediatric Genomic Medicine, Children's Mercy Hospital and Clinics
Classification: Likely benign. Last evaluated: 2016-02-18. Review status: criteria provided, single submitter. Criteria: ACMG Guidelines, 2015. Collection method: clinical testing. Allele origin: germline.
ClinVar note: Converted during submission from Likely Benign to Likely benign.

GeneDx
Classification: Benign. Last evaluated: 2015-09-04. Review status: criteria provided, single submitter. Criteria: GeneDx Variant Classification (06012015). Collection method: clinical testing. Allele origin: germline. Affected: yes.
Comment: This variant is considered likely benign or benign based on one or more of the following criteria: it is a conservative change, it occurs at a poorly conserved position in the protein, it is predicted to be benign by multiple in silico algorithms, and/or has population frequency not consistent with disease.

Eurofins Ntd Llc (ga)
Classification: Uncertain significance. Last evaluated: 2014-08-20. Review status: criteria provided, single submitter. Criteria: EGL Classification Definitions 2015. Collection method: clinical testing. Allele origin: germline. Observed: 3 variant alleles, 1 heterozygote, 2 hemizygotes.

PreventionGenetics, part of Exact Sciences
Classification: Likely benign for OPHN1-related condition. Last evaluated: 2019-07-15. Review status: no assertion criteria provided. Collection method: clinical testing. Allele origin: germline. Not counted in ClinVar's aggregate classification.
Comment: This variant is classified as likely benign based on ACMG/AMP sequence variant interpretation guidelines (Richards et al. 2015 PMID: 25741868, with internal and published modifications).

Clinical Genetics DNA and cytogenetics Diagnostics Lab, Erasmus MC, Erasmus Medical Center
Classification: Likely benign. Review status: no assertion criteria provided. Collection method: clinical testing. Allele origin: germline. Affected: yes. Study: VKGL Data-share Consensus. Not counted in ClinVar's aggregate classification.

Genome Diagnostics Laboratory, University Medical Center Utrecht
Classification: Likely benign. Review status: no assertion criteria provided. Collection method: clinical testing. Allele origin: germline. Affected: yes. Study: VKGL Data-share Consensus. Not counted in ClinVar's aggregate classification.

Laboratory of Diagnostic Genome Analysis, Leiden University Medical Center (LUMC)
Classification: Likely benign. Review status: no assertion criteria provided. Collection method: clinical testing. Allele origin: germline. Affected: yes. Study: VKGL Data-share Consensus. Not counted in ClinVar's aggregate classification.